The following is an entry in ClinVar:

ClinVar aggregate classification (germline): Uncertain significance (1 of 4 stars; one submission).

Submission:

GeneDx
Classification: Uncertain significance. Last evaluated: 2019-10-07. Review status: criteria provided, single submitter. Criteria: GeneDx Variant Classification Process June 2021. Collection method: clinical testing. Allele origin: germline. Affected: yes.
Comment: Not observed in large population cohorts (Lek et al., 2016); Missense variant in a gene in which most reported pathogenic variants are truncating/loss-of-function; Has not been previously published as pathogenic or benign to our knowledge

NM_001267550.2(TTN):c.81068T>C (p.Val27023Ala)

Genes: TTN (titin; minus strand), TTN-AS1 (TTN antisense RNA 1; plus strand). Cytogenetic location: 2q31.2.
Variant type: single nucleotide variant.
Coding change: c.81068T>C on transcript NM_001267550.2 (MANE Select); coding-DNA position 81068, T replaced by C.
Protein change: p.Val27023Ala; replaces valine 27023 with alanine.
Molecular consequence: missense variant.
Genome position (GRCh38, 1-based): chr2:178,565,064, A>G on the plus strand (T>C on the coding strand, the complement: TTN is on the minus strand). VCF-style: chr2-178565064-A-G. GRCh37 (hg19) VCF-style: chr2-179429791-A-G.
Other names: c.76145T>C, p.Val25382Ala (NM_001256850.1); c.53873T>C, p.Val17958Ala (NM_003319.4); c.73364T>C, p.Val24455Ala (NM_133378.4); c.54248T>C, p.Val18083Ala (NM_133432.3); c.54449T>C, p.Val18150Ala (NM_133437.4); short protein forms V17958A, V18083A, V18150A, V24455A, V25382A, V27023A.
Identifiers: ClinVar variation 1308910 (VCV001308910.2), dbSNP rs2154163925, ClinGen allele CA349583989.